The following is an entry in ClinVar:

NM_000660.7(TGFB1):c.808C>T (p.His270Tyr)

Gene: TGFB1 (transforming growth factor beta 1; minus strand). Cytogenetic location: 19q13.2.
Variant type: single nucleotide variant.
Coding change: c.808C>T on transcript NM_000660.7 (MANE Select); coding-DNA position 808, C replaced by T.
Protein change: p.His270Tyr; replaces histidine 270 with tyrosine.
Molecular consequence: missense variant.
Genome position (GRCh38, 1-based): chr19:41,341,935, G>A on the plus strand (C>T on the coding strand, the complement: TGFB1 is on the minus strand). VCF-style: chr19-41341935-G-A. GRCh37 (hg19) VCF-style: chr19-41847840-G-A.
Other names: short protein forms H270Y.
Identifiers: ClinVar variation 2632666 (VCV002632666.2), dbSNP rs201948484, ClinGen allele CA308569293.

ClinVar aggregate classification (germline): Uncertain significance. Review status: criteria provided, multiple submitters, no conflicts (2 of 4 stars). 2 submissions from 2 submitters: Uncertain significance (2). Last evaluated 2025-10-01.

Conditions:
TGFB1-related disorder. Also called: TGFB1-related condition.

Allele frequency attached by ClinVar (database versions not stated): TOPMed below 0.00001.
gnomAD v4.1: 1 of 1,614,144 alleles (0.000062%); highest among the groups gnomAD compares: East Asian, 0.0022%; no homozygotes.

Submissions (2):

Labcorp Genetics (formerly Invitae), Labcorp
Classification: Uncertain significance. Last evaluated: 2025-10-01. Review status: criteria provided, single submitter. Criteria: Invitae Variant Classification Sherloc (09022015). Collection method: clinical testing. Allele origin: germline.
Comment: This sequence change replaces histidine, which is basic and polar, with tyrosine, which is neutral and polar, at codon 270 of the TGFB1 protein (p.His270Tyr). This variant is not present in population databases (gnomAD no frequency). This variant has not been reported in the literature in individuals affected with TGFB1-related conditions. ClinVar contains an entry for this variant (Variation ID: 2632666). Invitae Evidence Modeling of protein sequence and biophysical properties (such as structural, functional, and spatial information, amino acid conservation, physicochemical variation, residue mobility, and thermodynamic stability) indicates that this missense variant is not expected to disrupt TGFB1 protein function with a negative predictive value of 80%. In summary, the available evidence is currently insufficient to determine the role of this variant in disease. Therefore, it has been classified as a Variant of Uncertain Significance.

PreventionGenetics, part of Exact Sciences
Classification: Uncertain significance for TGFB1-related condition. Last evaluated: 2023-06-02. Review status: criteria provided, single submitter. Criteria: ACMG Guidelines, 2015. Collection method: clinical testing. Allele origin: germline.
Comment: The TGFB1 c.808C>T variant is predicted to result in the amino acid substitution p.His270Tyr. To our knowledge, this variant has not been reported in the literature or in a large population database, indicating this variant is rare. At this time, the clinical significance of this variant is uncertain due to the absence of conclusive functional and genetic evidence.